The following is an entry in ClinVar:

ClinVar aggregate classification (germline): Pathogenic (1 of 4 stars; one submission).

Conditions:
Autosomal recessive nonsyndromic hearing loss 63. Identifiers: Orphanet 90636, MedGen C1969621, MONDO:0012670, OMIM 611451.

Submission:

Institute of Rare Diseases, West China Hospital, Sichuan University
Classification: Pathogenic for Autosomal recessive nonsyndromic hearing loss 63. Last evaluated: 2025-01-09. Review status: criteria provided, single submitter. Criteria: ClinGen HL ACMG Specifications v1. Collection method: research. Allele origin: germline. Affected: yes.
Comment: PVS1;PM3;PM2_Supporting

NM_001145308.5(LRTOMT):c.307del (p.Asp103fs)

Genes: TOMT (transmembrane O-methyltransferase; plus strand), LRTOMT (leucine rich transmembrane and O-methyltransferase domain containing; plus strand). Cytogenetic location: 11q13.4.
Variant type: Deletion.
Coding change: c.307del on transcript NM_001145308.5; coding-DNA position 307, one base deleted (G; older notation c.307delG).
Protein change: p.Asp103fs; shifts the reading frame from aspartic acid 103.
Molecular consequence: frameshift variant.
Genome position (GRCh38, 1-based): chr11:72,106,159, G deleted; the last of 2 consecutive G bases (chr11:72,106,158-72,106,159); deleting either gives the same sequence. VCF-style (leftmost placement, unchanged base first): chr11-72106157-TG-T. GRCh37 (hg19) VCF-style: chr11-71817203-TG-T.
Other names: c.208del, p.Asp70fs (NM_001393500.2); c.307del, p.Asp103fs (NM_001145309.4); c.187del, p.Asp63fs (NM_001145310.4); short protein forms D103fs, D63fs, D70fs.
Identifiers: ClinVar variation 3601215 (VCV003601215.1).